The following is an entry in ClinVar:

NM_000168.6(GLI3):c.3683A>C (p.His1228Pro)

Gene: GLI3 (GLI family zinc finger 3; minus strand). Cytogenetic location: 7p14.1.
Variant type: single nucleotide variant.
Coding change: c.3683A>C on transcript NM_000168.6 (MANE Select); coding-DNA position 3683, A replaced by C.
Protein change: p.His1228Pro; replaces histidine 1228 with proline.
Molecular consequence: missense variant.
Genome position (GRCh38, 1-based): chr7:41,965,390, T>G on the plus strand (A>C on the coding strand, the complement: GLI3 is on the minus strand). VCF-style: chr7-41965390-T-G. GRCh37 (hg19) VCF-style: chr7-42004988-T-G.
Other names: short protein forms H1228P.
Identifiers: ClinVar variation 4783598 (VCV004783598.1).

ClinVar aggregate classification (germline): Uncertain significance (1 of 4 stars; one submission).

Conditions:
Pallister-Hall syndrome (PHS). Also called: GLI3-Related Pallister-Hall Syndrome; HYPOTHALAMIC HAMARTOBLASTOMA, HYPOPITUITARISM, IMPERFORATE ANUS, AND POSTAXIAL POLYDACTYLY. Identifiers: Orphanet 672, MedGen C0265220, MONDO:0007804, OMIM 146510.
Greig cephalopolysyndactyly syndrome (GCPS). Also called: POLYSYNDACTYLY WITH PECULIAR SKULL SHAPE; Greig syndrome; GLI3-Related Greig Cephalopolysyndactyly Syndrome. Identifiers: Orphanet 380, MedGen C0265306, MONDO:0008287, OMIM 175700.

Submission:

Labcorp Genetics (formerly Invitae), Labcorp
Classification: Uncertain significance for Pallister-Hall syndrome; Greig cephalopolysyndactyly syndrome. Last evaluated: 2025-02-25. Review status: criteria provided, single submitter. Criteria: Invitae Variant Classification Sherloc (09022015). Collection method: clinical testing. Allele origin: germline.
Comment: This sequence change replaces histidine, which is basic and polar, with proline, which is neutral and non-polar, at codon 1228 of the GLI3 protein (p.His1228Pro). This variant is not present in population databases (gnomAD no frequency). This variant has not been reported in the literature in individuals affected with GLI3-related conditions. Invitae Evidence Modeling of protein sequence and biophysical properties (such as structural, functional, and spatial information, amino acid conservation, physicochemical variation, residue mobility, and thermodynamic stability) indicates that this missense variant is not expected to disrupt GLI3 protein function with a negative predictive value of 95%. In summary, the available evidence is currently insufficient to determine the role of this variant in disease. Therefore, it has been classified as a Variant of Uncertain Significance.